The following is an entry in ClinVar:

ClinVar aggregate classification (germline): Uncertain significance (1 of 4 stars; one submission).

Conditions:
Hereditary cancer-predisposing syndrome. Also called: Neoplastic Syndromes, Hereditary; Tumor predisposition; Hereditary Cancer Syndrome; Hereditary neoplastic syndrome. Identifiers: Orphanet 140162, MedGen C0027672, MeSH D009386, MONDO:0015356.

Submission:

Ambry Genetics
Classification: Uncertain significance for Hereditary cancer-predisposing syndrome. Last evaluated: 2025-10-15. Review status: criteria provided, single submitter. Criteria: Ambry Variant Classification Scheme 2023. Collection method: clinical testing. Allele origin: germline.
Comment: The p.V1514L variant (also known as c.4540G>T), located in coding exon 35 of the POLE gene, results from a G to T substitution at nucleotide position 4540. The valine at codon 1514 is replaced by leucine, an amino acid with highly similar properties. This amino acid position is conserved. In addition, this alteration is predicted to be tolerated by in silico analysis. Based on the available evidence, the clinical significance of this variant remains unclear.

NM_006231.4(POLE):c.4540G>T (p.Val1514Leu)

Gene: POLE (DNA polymerase epsilon, catalytic subunit; minus strand). Cytogenetic location: 12q24.33.
Variant type: single nucleotide variant.
Coding change: c.4540G>T on transcript NM_006231.4 (MANE Select); coding-DNA position 4540, G replaced by T.
Protein change: p.Val1514Leu; replaces valine 1514 with leucine.
Molecular consequence: missense variant.
Genome position (GRCh38, 1-based): chr12:132,643,235, C>A on the plus strand (G>T on the coding strand, the complement: POLE is on the minus strand). VCF-style: chr12-132643235-C-A. GRCh37 (hg19) VCF-style: chr12-133219821-C-A.
Other names: short protein forms V1514L.
Identifiers: ClinVar variation 4671940 (VCV004671940.1).